The following is an entry in ClinVar:

ClinVar aggregate classification (germline): Uncertain significance (1 of 4 stars; one submission).

Conditions:
Fanconi anemia (FA). Also called: Fanconi's anemia. Identifiers: Orphanet 84, MedGen C0015625, MeSH D005199, MONDO:0019391.

gnomAD v4.1: 1 of 1,614,100 alleles (0.000062%); highest among the groups gnomAD compares: Non-Finnish European, 0.000085%; no homozygotes.

Submission:

Labcorp Genetics (formerly Invitae), Labcorp
Classification: Uncertain significance for Fanconi anemia. Last evaluated: 2025-07-14. Review status: criteria provided, single submitter. Criteria: Invitae Variant Classification Sherloc (09022015). Collection method: clinical testing. Allele origin: germline.
Comment: This sequence change replaces glutamic acid, which is acidic and polar, with glycine, which is neutral and non-polar, at codon 1020 of the FANCI protein (p.Glu1020Gly). This variant is not present in population databases (gnomAD no frequency). This variant has not been reported in the literature in individuals affected with FANCI-related conditions. An algorithm developed to predict the effect of missense changes on protein structure and function (PolyPhen-2) suggests that this variant is likely to be tolerated. In summary, the available evidence is currently insufficient to determine the role of this variant in disease. Therefore, it has been classified as a Variant of Uncertain Significance.

NM_001113378.2(FANCI):c.3059A>G (p.Glu1020Gly)

Gene: FANCI (FA complementation group I; plus strand). Cytogenetic location: 15q26.1.
Variant type: single nucleotide variant.
Coding change: c.3059A>G on transcript NM_001113378.2 (MANE Select); coding-DNA position 3059, A replaced by G.
Protein change: p.Glu1020Gly; replaces glutamic acid 1020 with glycine.
Molecular consequence: missense variant.
Genome position (GRCh38, 1-based): chr15:89,305,115, A>G. VCF-style: chr15-89305115-A-G. GRCh37 (hg19) VCF-style: chr15-89848346-A-G.
Other names: c.2780A>G, p.Glu927Gly (NM_001376910.1); c.3059A>G, p.Glu1020Gly (NM_001376911.1); c.2879A>G, p.Glu960Gly (NM_018193.3); short protein forms E1020G, E927G, E960G.
Identifiers: ClinVar variation 4739781 (VCV004739781.1).